The following is an entry in ClinVar:

NM_014249.4(NR2E3):c.132G>C (p.Ser44=)

Gene: NR2E3 (nuclear receptor subfamily 2 group E member 3; plus strand). Cytogenetic location: 15q23.
Variant type: single nucleotide variant.
Coding change: c.132G>C on transcript NM_014249.4 (MANE Select); coding-DNA position 132, G replaced by C.
Protein change: p.Ser44=; no amino-acid change (serine 44 retained).
Molecular consequence: synonymous variant.
Genome position (GRCh38, 1-based): chr15:71,811,496, G>C. VCF-style: chr15-71811496-G-C. GRCh37 (hg19) VCF-style: chr15-72103836-G-C.
Other names: c.132G>C, p.Ser44= (NM_016346.4).
Identifiers: ClinVar variation 2007905 (VCV002007905.1), dbSNP rs759064828, ClinGen allele CA7640220.
Genomic context (GRCh38, chr15:71,811,496, plus strand): 5'-CCCCGGCCCAGCCCTGCCCTGGCCCAGCCCTGCCCCCTGCCCCTCAGGCGTGAGCCCCTC[G>C]CTCCAGTGCCGCGTGTGCGGAGACAGCAGCAGCGGGAAGCACTATGGCATCTATGCCTGC-3'
Protein context (NP_055064.1, residues 34-54): LGEDPTGVSP[Ser44=]LQCRVCGDSS

ClinVar aggregate classification (germline): Uncertain significance (1 of 4 stars; one submission).

gnomAD v4.1: 7 of 1,559,704 alleles (0.00045%); highest among the groups gnomAD compares: African/African-American, 0.0082%; no homozygotes.

Submission:

Labcorp Genetics (formerly Invitae), Labcorp
Classification: Uncertain significance. Last evaluated: 2022-09-17. Review status: criteria provided, single submitter. Criteria: Invitae Variant Classification Sherloc (09022015). Collection method: clinical testing. Allele origin: germline.
Comment: This sequence change affects codon 44 of the NR2E3 mRNA. It is a 'silent' change, meaning that it does not change the encoded amino acid sequence of the NR2E3 protein. This variant is not present in population databases (gnomAD no frequency). This variant has not been reported in the literature in individuals affected with NR2E3-related conditions. Algorithms developed to predict the effect of sequence changes on RNA splicing suggest that this variant may create or strengthen a splice site. In summary, the available evidence is currently insufficient to determine the role of this variant in disease. Therefore, it has been classified as a Variant of Uncertain Significance.